The following is an entry in ClinVar:

ClinVar aggregate classification (germline): Uncertain significance (1 of 4 stars; one submission).

Conditions:
Juvenile polyposis syndrome (JPS). Identifiers: Orphanet 2929, MedGen C0345893, MONDO:0017380, OMIM 174900.

Submission:

Labcorp Genetics (formerly Invitae), Labcorp
Classification: Uncertain significance for Juvenile polyposis syndrome. Last evaluated: 2026-01-13. Review status: criteria provided, single submitter. Criteria: Invitae Variant Classification Sherloc (09022015). Collection method: clinical testing. Allele origin: germline.
Comment: This sequence change replaces lysine, which is basic and polar, with glutamic acid, which is acidic and polar, at codon 242 of the BMPR1A protein (p.Lys242Glu). This variant is not present in population databases (gnomAD no frequency). This variant has not been reported in the literature in individuals affected with BMPR1A-related conditions. Invitae Evidence Modeling of protein sequence and biophysical properties (such as structural, functional, and spatial information, amino acid conservation, physicochemical variation, residue mobility, and thermodynamic stability) indicates that this missense variant is not expected to disrupt BMPR1A protein function with a negative predictive value of 80%. In summary, the available evidence is currently insufficient to determine the role of this variant in disease. Therefore, it has been classified as a Variant of Uncertain Significance.

NM_004329.3(BMPR1A):c.724A>G (p.Lys242Glu)

Gene: BMPR1A (bone morphogenetic protein receptor type 1A; plus strand). Cytogenetic location: 10q23.2.
Variant type: single nucleotide variant.
Coding change: c.724A>G on transcript NM_004329.3 (MANE Select); coding-DNA position 724, A replaced by G.
Protein change: p.Lys242Glu; replaces lysine 242 with glutamic acid.
Molecular consequence: missense variant. On other transcripts: non-coding transcript variant (3).
Genome position (GRCh38, 1-based): chr10:86,917,182, A>G. VCF-style: chr10-86917182-A-G. GRCh37 (hg19) VCF-style: chr10-88676939-A-G.
Other names: c.799A>G, p.Lys267Glu (NM_001406559.1); c.772A>G, p.Lys258Glu (NM_001406560.1); c.724A>G, p.Lys242Glu (NM_001406561.1, NM_001406562.1, NM_001406563.1 and 19 more transcripts); c.718A>G, p.Lys240Glu (NM_001406583.1); c.640A>G, p.Lys214Glu (NM_001406584.1, NM_001406585.1, NM_001406586.1 and 2 more transcripts); c.382A>G, p.Lys128Glu (NM_001406589.1); short protein forms K242E, K240E, K267E, K128E, K214E, K258E.
Identifiers: ClinVar variation 4774046 (VCV004774046.1).